The following is an entry in ClinVar:

ClinVar aggregate classification (germline): Uncertain significance (1 of 4 stars; one submission).

Allele frequency attached by ClinVar (database versions not stated): gnomAD exomes below 0.00001.
gnomAD v4.1: 2 of 1,613,372 alleles (0.00012%); highest among the groups gnomAD compares: African/African-American, 0.0013%; no homozygotes.

Submission:

Labcorp Genetics (formerly Invitae), Labcorp
Classification: Uncertain significance. Last evaluated: 2022-03-18. Review status: criteria provided, single submitter. Criteria: Invitae Variant Classification Sherloc (09022015). Collection method: clinical testing. Allele origin: germline.
Comment: This sequence change replaces cysteine, which is neutral and slightly polar, with arginine, which is basic and polar, at codon 143 of the ERCC6 protein (p.Cys143Arg). This variant is not present in population databases (gnomAD no frequency). This variant has not been reported in the literature in individuals affected with ERCC6-related conditions. Algorithms developed to predict the effect of missense changes on protein structure and function (SIFT, PolyPhen-2, Align-GVGD) all suggest that this variant is likely to be disruptive. In summary, the available evidence is currently insufficient to determine the role of this variant in disease. Therefore, it has been classified as a Variant of Uncertain Significance.

NM_000124.4(ERCC6):c.427T>C (p.Cys143Arg)

Gene: ERCC6 (ERCC excision repair 6, chromatin remodeling factor; minus strand). Cytogenetic location: 10q11.23.
Variant type: single nucleotide variant.
Coding change: c.427T>C on transcript NM_000124.4 (MANE Select); coding-DNA position 427, T replaced by C.
Protein change: p.Cys143Arg; replaces cysteine 143 with arginine.
Molecular consequence: missense variant.
Genome position (GRCh38, 1-based): chr10:49,530,836, A>G on the plus strand (T>C on the coding strand, the complement: ERCC6 is on the minus strand). VCF-style: chr10-49530836-A-G. GRCh37 (hg19) VCF-style: chr10-50738882-A-G.
Other names: c.427T>C, p.Cys143Arg (NM_001277058.2, NM_001277059.2, NM_001346440.2); short protein forms C143R.
Identifiers: ClinVar variation 2113975 (VCV002113975.1), dbSNP rs1590488296, ClinGen allele CA376710736.
Genomic context (GRCh38, chr10:49,530,836, plus strand): 5'-TGGCAGCTTGAGGGCTAAGCTGTTCAATAATTTTATTGATTTGCCTTAGGGATGTCGTAC[A>G]TGACCTGAAAAATAAGATAAATTGTCTATTTTGCACTCTGATAACATTTTTATAGCATAA-3'
Protein context (NP_000115.1, residues 133-153): YRSVLDDLTS[Cys143Arg]TTSLRQINKI